The following is an entry in ClinVar:

NM_005477.3(HCN4):c.3157C>T (p.Leu1053Phe)

Gene: HCN4 (hyperpolarization activated cyclic nucleotide gated potassium channel 4; minus strand). Cytogenetic location: 15q24.1.
Variant type: single nucleotide variant.
Coding change: c.3157C>T on transcript NM_005477.3 (MANE Select); coding-DNA position 3157, C replaced by T.
Protein change: p.Leu1053Phe; replaces leucine 1053 with phenylalanine.
Molecular consequence: missense variant.
Genome position (GRCh38, 1-based): chr15:73,322,936, G>A on the plus strand (C>T on the coding strand, the complement: HCN4 is on the minus strand). VCF-style: chr15-73322936-G-A. GRCh37 (hg19) VCF-style: chr15-73615277-G-A.
Other names: short protein forms L1053F.
Identifiers: ClinVar variation 2182326 (VCV002182326.4), dbSNP rs1169782947, ClinGen allele CA393086102.
Genomic context (GRCh38, chr15:73,322,936, plus strand): 5'-GGGGTGTGCCCCGGCGCTGGGGGACCTGGGGTGGTGGGGGGCTGGATGCAGGTGGCAGGA[G>A]CAAGGATCCGTGGGAGCCAGAGGCCCGGGGCGGGGCACTCGGGAAGGTTCTTGGGGGGCC-3'
Protein context (NP_005468.1, residues 1043-1063): PRASGSHGSL[Leu1053Phe]LPPASSPPPP

ClinVar aggregate classification (germline): Uncertain significance (1 of 4 stars; one submission).

Conditions:
Brugada syndrome 8 (BRGDA8). Identifiers: Orphanet 130, MedGen C2751083, MONDO:0013148, OMIM 613123.

Allele frequency attached by ClinVar (database versions not stated): gnomAD exomes below 0.00001; TOPMed below 0.00001.

Submission:

Labcorp Genetics (formerly Invitae), Labcorp
Classification: Uncertain significance for Brugada syndrome 8. Last evaluated: 2024-10-28. Review status: criteria provided, single submitter. Criteria: Invitae Variant Classification Sherloc (09022015). Collection method: clinical testing. Allele origin: germline.
Comment: This sequence change replaces leucine, which is neutral and non-polar, with phenylalanine, which is neutral and non-polar, at codon 1053 of the HCN4 protein (p.Leu1053Phe). This variant is not present in population databases (gnomAD no frequency). This variant has not been reported in the literature in individuals affected with HCN4-related conditions. ClinVar contains an entry for this variant (Variation ID: 2182326). Invitae Evidence Modeling of protein sequence and biophysical properties (such as structural, functional, and spatial information, amino acid conservation, physicochemical variation, residue mobility, and thermodynamic stability) has been performed for this missense variant. However, the output from this modeling did not meet the statistical confidence thresholds required to predict the impact of this variant on HCN4 protein function. In summary, the available evidence is currently insufficient to determine the role of this variant in disease. Therefore, it has been classified as a Variant of Uncertain Significance.